The following is an entry in ClinVar:

ClinVar aggregate classification (germline): Benign (0 of 4 stars; one submission).

Conditions:
TJP1-related disorder. Also called: TJP1-related condition.

Allele frequency attached by ClinVar (database versions not stated): ExAC 0.00301; 1000 Genomes Project 0.00759; 1000 Genomes Project 30x 0.00796; gnomAD 0.00824; TOPMed 0.00928; ESP Exome Variant Server 0.00947.
gnomAD v4.1: 2,306 of 1,562,042 alleles (0.15%); highest among the groups gnomAD compares: African/African-American, 2.8%; 37 homozygotes.

Submissions (3):

PreventionGenetics, part of Exact Sciences
Classification: Benign for TJP1-related condition. Last evaluated: 2019-02-19. Review status: no assertion criteria provided. Collection method: clinical testing. Allele origin: germline.
Comment: This variant is classified as benign based on ACMG/AMP sequence variant interpretation guidelines (Richards et al. 2015 PMID: 25741868, with internal and published modifications).

Dr. Peter K. Rogan Lab, Western University
No classification provided (evidence only). Condition: Sarcoma. Review status: no classification provided. Collection method: in vitro. Allele origin: not applicable. Functional consequence: retained intron. Not counted in ClinVar's aggregate classification.

Dr. Peter K. Rogan Lab, Western University
No classification provided (evidence only). Condition: Malignant tumor of esophagus. Review status: no classification provided. Collection method: in vitro. Allele origin: not applicable. Functional consequence: retained intron. Not counted in ClinVar's aggregate classification.

NM_001330239.4(TJP1):c.1737-9C>G

Gene: TJP1 (tight junction protein 1; minus strand). Cytogenetic location: 15q13.1.
Variant type: single nucleotide variant.
Coding change: c.1737-9C>G on transcript NM_001330239.4 (MANE Select); 9 bases into the intron before coding-DNA position 1737, C replaced by G.
Molecular consequence: intron variant.
Genome position (GRCh38, 1-based): chr15:29,732,824, G>C on the plus strand (C>G on the coding strand, the complement: TJP1 is on the minus strand). VCF-style: chr15-29732824-G-C. GRCh37 (hg19) VCF-style: chr15-30025028-G-C.
Other names: NC_000015.9:g.30025028G>C; c.2016-9C>G (NM_001355012.2, NM_001301025.3); c.1737-9C>G (NM_175610.4, NM_001355015.2, NM_003257.5 and 1 more transcripts); c.1749-9C>G (NM_001301026.2, NM_001355013.1).
Identifiers: ClinVar variation 3044275 (VCV003044275.3), dbSNP rs45476796, ClinGen allele CA7447166.